The following is an entry in ClinVar:

ClinVar aggregate classification (germline): Uncertain significance (1 of 4 stars; one submission).

Conditions:
Hereditary cancer-predisposing syndrome. Also called: Tumor predisposition; Hereditary Cancer Syndrome; Hereditary neoplastic syndrome; Neoplastic Syndromes, Hereditary. Identifiers: Orphanet 140162, MedGen C0027672, MeSH D009386, MONDO:0015356.

Submission:

Ambry Genetics
Classification: Uncertain significance for Hereditary cancer-predisposing syndrome. Last evaluated: 2023-07-04. Review status: criteria provided, single submitter. Criteria: Ambry Variant Classification Scheme 2023. Collection method: clinical testing. Allele origin: germline.
Comment: The p.I66M variant (also known as c.198A>G), located in coding exon 3 of the XRCC2 gene, results from an A to G substitution at nucleotide position 198. The isoleucine at codon 66 is replaced by methionine, an amino acid with highly similar properties. This amino acid position is conserved. In addition, this alteration is predicted to be tolerated by in silico analysis. Since supporting evidence is limited at this time, the clinical significance of this alteration remains unclear.

NM_005431.2(XRCC2):c.198A>G (p.Ile66Met)

Gene: XRCC2 (X-ray repair cross complementing 2; minus strand). Cytogenetic location: 7q36.1.
Variant type: single nucleotide variant.
Coding change: c.198A>G on transcript NM_005431.2 (MANE Select); coding-DNA position 198, A replaced by G.
Protein change: p.Ile66Met; replaces isoleucine 66 with methionine.
Molecular consequence: missense variant.
Genome position (GRCh38, 1-based): chr7:152,649,287, T>C on the plus strand (A>G on the coding strand, the complement: XRCC2 is on the minus strand). VCF-style: chr7-152649287-T-C. GRCh37 (hg19) VCF-style: chr7-152346372-T-C.
Other names: short protein forms I66M.
Identifiers: ClinVar variation 2625102 (VCV002625102.2), dbSNP rs2485881967, ClinGen allele CA370199217.
Genomic context (GRCh38, chr7:152,649,287, plus strand): 5'-GTGGTAATCTGTATCAATAAATAAGACTTCTACTTCCAGGCCACCTTCTGATTTGGGAAG[T>C]ATACATCGTGCTGTTAGGTGATAAAGCATTTCTGTTTTTCCTGTTCCTTCTGGGCCATGA-3'
Protein context (NP_005422.1, residues 56-76): EMLYHLTARC[Ile66Met]LPKSEGGLEV